The following is an entry in ClinVar:

NM_001199107.2(TBC1D24):c.1298T>C (p.Phe433Ser)

Gene: TBC1D24 (TBC1 domain family member 24; plus strand). Cytogenetic location: 16p13.3.
Variant type: single nucleotide variant.
Coding change: c.1298T>C on transcript NM_001199107.2 (MANE Select); coding-DNA position 1298, T replaced by C.
Protein change: p.Phe433Ser; replaces phenylalanine 433 with serine.
Molecular consequence: missense variant.
Genome position (GRCh38, 1-based): chr16:2,499,926, T>C. VCF-style: chr16-2499926-T-C. GRCh37 (hg19) VCF-style: chr16-2549927-T-C.
Other names: c.1280T>C, p.Phe427Ser (NM_020705.3); short protein forms F427S, F433S.
Identifiers: ClinVar variation 1937850 (VCV001937850.5), dbSNP rs1208080040, ClinGen allele CA394380297.

ClinVar aggregate classification (germline): Uncertain significance (1 of 4 stars; one submission).

Conditions:
Developmental and epileptic encephalopathy, 1 (DEE1). Also called: X-linked infantile spasms; West's syndrome; Tonic spasms with clustering, arrest of psychomotor development and hypsarrhythmia on EEG; X-Linked Infantile Spasm Syndrome; OHTAHARA SYNDROME, X-LINKED; INFANTILE SPASM SYNDROME, X-LINKED 1. Identifiers: MedGen C3463992, MONDO:0010632, OMIM 308350. Disease mechanism: loss of function.
Autosomal dominant nonsyndromic hearing loss 65. Also called: Deafness, autosomal dominant 65; TBC1D24-Related Autosomal Dominant Nonsyndromic Hearing Loss (DFNA). Identifiers: Orphanet 90635, MedGen C3892048, MONDO:0014470, OMIM 616044.

Allele frequency attached by ClinVar (database versions not stated): gnomAD exomes below 0.00001.

Submission:

Labcorp Genetics (formerly Invitae), Labcorp
Classification: Uncertain significance for Developmental and epileptic encephalopathy, 1; Autosomal dominant nonsyndromic hearing loss 65. Last evaluated: 2022-03-13. Review status: criteria provided, single submitter. Criteria: Invitae Variant Classification Sherloc (09022015). Collection method: clinical testing. Allele origin: germline.
Comment: In summary, the available evidence is currently insufficient to determine the role of this variant in disease. Therefore, it has been classified as a Variant of Uncertain Significance. Advanced modeling of protein sequence and biophysical properties (such as structural, functional, and spatial information, amino acid conservation, physicochemical variation, residue mobility, and thermodynamic stability) performed at Invitae indicates that this missense variant is expected to disrupt TBC1D24 protein function. This variant has not been reported in the literature in individuals affected with TBC1D24-related conditions. This variant is present in population databases (no rsID available, gnomAD 0.003%). This sequence change replaces phenylalanine, which is neutral and non-polar, with serine, which is neutral and polar, at codon 433 of the TBC1D24 protein (p.Phe433Ser).